The following is an entry in ClinVar:

ClinVar aggregate classification (germline): Uncertain significance (1 of 4 stars; one submission).

Conditions:
Marfan syndrome (MFS). Also called: MARFAN SYNDROME, TYPE I; Marfan syndrome type 1; Marfan's syndrome; Marfan syndrome, classic; FBN1-Related Marfan Syndrome. Identifiers: Orphanet 284963, Orphanet 558, MedGen C0024796, MONDO:0007947, OMIM 154700.

Allele frequency attached by ClinVar (database versions not stated): gnomAD exomes below 0.00001.
gnomAD v4.1: 1 of 1,613,782 alleles (0.000062%); highest among the groups gnomAD compares: Non-Finnish European, 0.000085%; no homozygotes.

Submission:

All of Us Research Program, National Institutes of Health
Classification: Uncertain significance for Marfan syndrome. Last evaluated: 2023-09-04. Review status: criteria provided, single submitter. Criteria: ACMG Guidelines, 2015. Collection method: clinical testing. Allele origin: germline. Inheritance: Autosomal dominant inheritance. Observed: 1 variant allele, 1 heterozygote.
Comment: This missense variant replaces methionine with isoleucine at codon 581 of the FBN1 protein. Computational prediction suggests that this variant may not impact protein structure and function (internally defined REVEL score threshold <= 0.5, PMID: 27666373). To our knowledge, functional studies have not been reported for this variant. This variant has not been reported in individuals affected with FBN1-related disorders in the literature. This variant has not been identified in the general population by the Genome Aggregation Database (gnomAD). The available evidence is insufficient to determine the role of this variant in disease conclusively. Therefore, this variant is classified as a Variant of Uncertain Significance.

This study involves interpretation of variants in research participants for the purpose of population health screening. Participant phenotype was not available at the time of variant classification. Additional details can be found in publication PMID: 35346344, PMCID: PMC8962531

NM_000138.5(FBN1):c.1743G>A (p.Met581Ile)

Gene: FBN1 (fibrillin 1; minus strand). Cytogenetic location: 15q21.1.
Variant type: single nucleotide variant.
Coding change: c.1743G>A on transcript NM_000138.5 (MANE Select); coding-DNA position 1743, G replaced by A.
Protein change: p.Met581Ile; replaces methionine 581 with isoleucine.
Molecular consequence: missense variant.
Genome position (GRCh38, 1-based): chr15:48,508,676, C>T on the plus strand (G>A on the coding strand, the complement: FBN1 is on the minus strand). VCF-style: chr15-48508676-C-T. GRCh37 (hg19) VCF-style: chr15-48800873-C-T.
Other names: c.1743G>A, p.Met581Ile (NM_001406716.1); short protein forms M581I.
Identifiers: ClinVar variation 3073293 (VCV003073293.1), dbSNP rs1566914894, ClinGen allele CA392340572.